The following is an entry in ClinVar:

NM_001374828.1(ARID1B):c.5310T>C (p.Leu1770=)

Gene: ARID1B (AT-rich interaction domain 1B; plus strand). Cytogenetic location: 6q25.3.
Variant type: single nucleotide variant.
Coding change: c.5310T>C on transcript NM_001374828.1 (MANE Select); coding-DNA position 5310, T replaced by C.
Protein change: p.Leu1770=; no amino-acid change (leucine 1770 retained).
Molecular consequence: synonymous variant.
Genome position (GRCh38, 1-based): chr6:157,203,912, T>C. VCF-style: chr6-157203912-T-C. GRCh37 (hg19) VCF-style: chr6-157525046-T-C.
Other names: c.4941T>C, p.Leu1647= (NM_020732.3); c.2811T>C, p.Leu937= (NM_001363725.2); c.5190T>C, p.Leu1730= (NM_001371656.1, NM_001374820.1); c.5151T>C, p.Leu1717= (NM_017519.3).
Identifiers: ClinVar variation 210295 (VCV000210295.41), dbSNP rs372621575, ClinGen allele CA209631.
Genomic context (GRCh38, chr6:157,203,912, plus strand): 5'-TTCCCCATCTTCAGTTACTCCTGAGGCGTGGCGTGTGATGATGTCCCTTAAATCAGGTCT[T>C]TTGGCTGAGAGTACGTGGGCTTTGGACACTATTAATATTCTTCTGTATGATGACAGCACT-3'
Protein context (NP_001361757.1, residues 1760-1780): WRVMMSLKSG[Leu1770=]LAESTWALDT

ClinVar aggregate classification (germline): Conflicting classifications of pathogenicity. Review status: criteria provided, conflicting classifications (1 of 4 stars). 4 submissions from 4 submitters: Uncertain significance (1); Benign (1); Likely benign (2). Last evaluated 2025-09-07.

Allele frequency attached by ClinVar (database versions not stated): gnomAD below 0.00001 and 0.00005; TOPMed 0.00003; ESP Exome Variant Server 0.00008; gnomAD exomes 0.00009 and 0.00016; 1000 Genomes Project 30x 0.00016; 1000 Genomes Project 0.00020; ExAC 0.00021.
gnomAD v4.1: 140 of 1,614,198 alleles (0.0087%); highest among the groups gnomAD compares: Middle Eastern, 0.2%; 2 homozygotes.

Submissions (4):

Labcorp Genetics (formerly Invitae), Labcorp
Classification: Benign. Last evaluated: 2025-09-07. Review status: criteria provided, single submitter. Criteria: Invitae Variant Classification Sherloc (09022015). Collection method: clinical testing. Allele origin: germline.

Blueprint Genetics
Classification: Likely benign. Last evaluated: 2024-11-19. Review status: criteria provided, single submitter. Criteria: ACMG Guidelines, 2015. Collection method: clinical testing. Allele origin: germline.

CeGaT Center for Human Genetics Tuebingen
Classification: Likely benign. Last evaluated: 2023-12-01. Review status: criteria provided, single submitter. Criteria: CeGaT Center For Human Genetics Tuebingen Variant Classification Criteria Version 2. Collection method: clinical testing. Allele origin: germline. Affected: yes. Observed: 4 variant alleles.
Comment: ARID1B: BP4, BP7

Genetic Services Laboratory, University of Chicago
Classification: Uncertain significance. Last evaluated: 2014-12-22. Review status: criteria provided, single submitter. Criteria: ACMG Guidelines, 2015. Collection method: clinical testing. Allele origin: germline.